The following is an entry in ClinVar:

NM_203447.4(DOCK8):c.1423-8C>G

Gene: DOCK8 (dedicator of cytokinesis 8; plus strand). Cytogenetic location: 9p24.3.
Variant type: single nucleotide variant.
Coding change: c.1423-8C>G on transcript NM_203447.4 (MANE Select); 8 bases into the intron before coding-DNA position 1423, C replaced by G.
Molecular consequence: intron variant.
Genome position (GRCh38, 1-based): chr9:338,998, C>G. VCF-style: chr9-338998-C-G. GRCh37 (hg19) VCF-style: chr9-338998-C-G.
Other names: c.1219-8C>G (NM_001193536.2, NM_001190458.2).
Identifiers: ClinVar variation 3047441 (VCV003047441.4), dbSNP rs368610615, ClinGen allele CA187763623.

ClinVar aggregate classification (germline): Likely benign. Review status: criteria provided, multiple submitters, no conflicts (2 of 4 stars). 3 submissions from 3 submitters: Likely benign (2). 1 of the submissions does not count toward it. Last evaluated 2025-10-21.

Conditions:
Combined immunodeficiency due to DOCK8 deficiency (HIES2). Also called: HIES autosomal recessive; Hyper-IgE recurrent infection syndrome, autosomal recessive; HYPER-IgE SYNDROME 2, AUTOSOMAL RECESSIVE, WITH RECURRENT INFECTIONS; DOCK8 Deficiency; HYPER-IgE RECURRENT INFECTION SYNDROME 2, AUTOSOMAL RECESSIVE. Identifiers: Orphanet 217390, MedGen C4722305, MONDO:0009478, OMIM 243700.
DOCK8-related disorder. Also called: DOCK8-related condition.

Allele frequency attached by ClinVar (database versions not stated): gnomAD exomes below 0.00001; ESP Exome Variant Server 0.00008.
gnomAD v4.1: 4 of 1,613,890 alleles (0.00025%); highest among the groups gnomAD compares: Non-Finnish European, 0.00034%; no homozygotes.

Submissions (3):

Labcorp Genetics (formerly Invitae), Labcorp
Classification: Likely benign for Combined immunodeficiency due to DOCK8 deficiency. Last evaluated: 2025-10-21. Review status: criteria provided, single submitter. Criteria: Invitae Variant Classification Sherloc (09022015). Collection method: clinical testing. Allele origin: germline.

Blueprint Genetics
Classification: Likely benign. Last evaluated: 2020-06-30. Review status: criteria provided, single submitter. Criteria: ACMG Guidelines, 2015. Collection method: clinical testing. Allele origin: germline.

PreventionGenetics, part of Exact Sciences
Classification: Likely benign for DOCK8-related condition. Last evaluated: 2023-10-16. Review status: no assertion criteria provided. Collection method: clinical testing. Allele origin: germline. Not counted in ClinVar's aggregate classification.
Comment: This variant is classified as likely benign based on ACMG/AMP sequence variant interpretation guidelines (Richards et al. 2015 PMID: 25741868, with internal and published modifications).